The following is an entry in ClinVar:

ClinVar aggregate classification (germline): Uncertain significance (1 of 4 stars; one submission).

Conditions:
Familial intrahepatic cholestasis. Identifiers: Orphanet 284385, MedGen CN296401, MONDO:0017290.

Submission:

Genomenon, Inc
Classification: Uncertain significance for Familial intrahepatic cholestasis. Last evaluated: 2026-04-14. Review status: criteria provided, single submitter. Criteria: Genomenon Sequence Variant Interpretation Standards - Updated. Collection method: curation. Allele origin: germline. Affected: no.
Comment: ATP8B1 p.Cys62Phe (c.185G>T) is a missense variant that changes the amino acid at residue 62 from Cysteine to Phenylalanine. This variant has been reported in the published literature (PMID:37208429). It is absent or not present at a significant frequency in gnomAD. In conclusion, we classify ATP8B1 p.Cys62Phe (c.185G>T) as a variant of uncertain significance.

Literature cited by the submitters: PubMed 37208429.

NM_001374385.1(ATP8B1):c.185G>T (p.Cys62Phe)

Gene: ATP8B1 (ATPase phospholipid transporting 8B1; minus strand). Cytogenetic location: 18q21.31.
Variant type: single nucleotide variant.
Coding change: c.185G>T on transcript NM_001374385.1 (MANE Select); coding-DNA position 185, G replaced by T.
Protein change: p.Cys62Phe; replaces cysteine 62 with phenylalanine.
Molecular consequence: missense variant. On other transcripts: intron variant (1).
Genome position (GRCh38, 1-based): chr18:57,706,584, C>A on the plus strand (G>T on the coding strand, the complement: ATP8B1 is on the minus strand). VCF-style: chr18-57706584-C-A. GRCh37 (hg19) VCF-style: chr18-55373816-C-A.
Other names: c.185G>T, p.Cys62Phe (NM_005603.6); c.130-1916G>T (NM_001374386.1); short protein forms C62F.
Identifiers: ClinVar variation 4846653 (VCV004846653.1).